The following is an entry in ClinVar:

NM_004656.4(BAP1):c.592_593delinsTT (p.Glu198Leu)

Gene: BAP1 (BRCA1 associated deubiquitinase 1; minus strand). Cytogenetic location: 3p21.1.
Variant type: Indel.
Coding change: c.592_593delinsTT on transcript NM_004656.4 (MANE Select); coding-DNA positions 592 to 593, GA replaced by TT.
Protein change: p.Glu198Leu; replaces glutamic acid 198 with leucine.
Molecular consequence: missense variant.
Genome position (GRCh38, 1-based): chr3:52,406,895-52,406,896, TC replaced by AA on the plus strand (GA replaced by TT on the coding strand, the reverse complement: BAP1 is on the minus strand). VCF-style: chr3-52406895-TC-AA. GRCh37 (hg19) VCF-style: chr3-52440911-TC-AA.
Other names: c.592_593delGAinsTT (NM_004656.2); short protein forms E198L.
Identifiers: ClinVar variation 1504189 (VCV001504189.7), dbSNP rs2153227661, ClinGen allele CA2573137346.

ClinVar aggregate classification (germline): Uncertain significance. Review status: criteria provided, multiple submitters, no conflicts (2 of 4 stars). 2 submissions from 2 submitters: Uncertain significance (2). Last evaluated 2026-01-09.

Conditions:
Hereditary cancer-predisposing syndrome. Also called: Neoplastic Syndromes, Hereditary; Tumor predisposition; Hereditary Cancer Syndrome; Hereditary neoplastic syndrome. Identifiers: Orphanet 140162, MedGen C0027672, MeSH D009386, MONDO:0015356.
BAP1-related tumor predisposition syndrome (TPDS1). Also called: COMMON Syndrome; Tumor susceptibility linked to germline BAP1 mutations; TUMOR PREDISPOSITION SYNDROME 1; BAP1 tumor predisposition syndrome. Identifiers: Orphanet 289539, MedGen C3280492, MONDO:0013692, OMIM 614327.

Submissions (2):

Ambry Genetics
Classification: Uncertain significance for Hereditary cancer-predisposing syndrome. Last evaluated: 2026-01-09. Review status: criteria provided, single submitter. Criteria: Ambry Variant Classification Scheme 2023. Collection method: clinical testing. Allele origin: germline.
Comment: The c.592_593delGAinsTT variant (also known as p.E198L), located in coding exon 8 of the BAP1 gene, results from an in-frame deletion of GA and insertion of TT at nucleotide positions 592 to 593. This results in the substitution of the glutamic acid residue for a leucine residue at codon 198, an amino acid with dissimilar properties. This amino acid position is well conserved in available vertebrate species. In addition, the in silico prediction for this variant is inconclusive (Choi Y et al. PLoS ONE. 2012; 7(10):e46688). Based on the available evidence, the clinical significance of this variant remains unclear.

Labcorp Genetics (formerly Invitae), Labcorp
Classification: Uncertain significance for BAP1-related tumor predisposition syndrome. Last evaluated: 2025-11-10. Review status: criteria provided, single submitter. Criteria: Invitae Variant Classification Sherloc (09022015). Collection method: clinical testing. Allele origin: germline.
Comment: This sequence change replaces glutamic acid, which is acidic and polar, with leucine, which is neutral and non-polar, at codon 198 of the BAP1 protein (p.Glu198Leu). Information on the frequency of this variant in the gnomAD database is not available, as this variant may be reported differently in the database. This variant has not been reported in the literature in individuals affected with BAP1-related conditions. ClinVar contains an entry for this variant (Variation ID: 1504189). An algorithm developed to predict the effect of missense changes on protein structure and function (PolyPhen-2) suggests that this variant is likely to be disruptive. In summary, the available evidence is currently insufficient to determine the role of this variant in disease. Therefore, it has been classified as a Variant of Uncertain Significance.